The following is an entry in ClinVar:

NM_001199397.3(NEK1):c.1356A>G (p.Gln452=)

Gene: NEK1 (NIMA related kinase 1; minus strand). Cytogenetic location: 4q33.
Variant type: single nucleotide variant.
Coding change: c.1356A>G on transcript NM_001199397.3 (MANE Select); coding-DNA position 1356, A replaced by G.
Protein change: p.Gln452=; no amino-acid change (glutamine 452 retained).
Molecular consequence: synonymous variant. On other transcripts: non-coding transcript variant (1).
Genome position (GRCh38, 1-based): chr4:169,556,006, T>C on the plus strand (A>G on the coding strand, the complement: NEK1 is on the minus strand). VCF-style: chr4-169556006-T-C. GRCh37 (hg19) VCF-style: chr4-170477157-T-C.
Other names: c.1356A>G, p.Gln452= (NM_001199398.3, NM_001199400.3, NM_001374418.1 and 2 more transcripts); c.1281A>G, p.Gln427= (NM_001199399.3); c.1305A>G, p.Gln435= (NM_001374420.1); c.1230A>G, p.Gln410= (NM_001374421.1); c.1356A>G (NM_012224.2).
Identifiers: ClinVar variation 1577821 (VCV001577821.10), dbSNP rs529848109, ClinGen allele CA3137759.

ClinVar aggregate classification (germline): Conflicting classifications of pathogenicity. Review status: criteria provided, conflicting classifications (1 of 4 stars). 3 submissions from 3 submitters: Uncertain significance (1); Likely benign (2). Last evaluated 2025-06-11.

Conditions:
NEK1-related disorder. Also called: NEK1-related condition.
Short-rib thoracic dysplasia 6 with or without polydactyly (SRTD6). Also called: SHORT-RIB THORACIC DYSPLASIA 6 WITH POLYDACTYLY; SHORT-RIB THORACIC DYSPLASIA 6 WITHOUT POLYDACTYLY; Majewski Syndrome; SHORT RIB-POLYDACTYLY SYNDROME, TYPE IIA; POLYDACTYLY WITH NEONATAL CHONDRODYSTROPHY, TYPE II. Identifiers: MedGen C0024507, MONDO:0009894, OMIM 263520.

Allele frequency attached by ClinVar (database versions not stated): 1000 Genomes Project 0.00040; gnomAD 0.00001 and 0.00002; gnomAD exomes 0.00006 and 0.00016; ExAC 0.00019; 1000 Genomes Project 30x 0.00031.
gnomAD v4.1: 104 of 1,613,776 alleles (0.0064%); highest among the groups gnomAD compares: South Asian, 0.1%; no homozygotes.

Submissions (3):

Labcorp Genetics (formerly Invitae), Labcorp
Classification: Likely benign for Short-rib thoracic dysplasia 6 with or without polydactyly. Last evaluated: 2025-06-11. Review status: criteria provided, single submitter. Criteria: Invitae Variant Classification Sherloc (09022015). Collection method: clinical testing. Allele origin: germline.

PreventionGenetics, part of Exact Sciences
Classification: Likely benign for NEK1-related condition. Last evaluated: 2025-01-13. Review status: criteria provided, single submitter. Criteria: ACMG Guidelines, 2015. Collection method: clinical testing. Allele origin: germline.
Comment: This variant is classified as likely benign based on ACMG/AMP sequence variant interpretation guidelines (Richards et al. 2015 PMID: 25741868, with internal and published modifications).

GeneDx
Classification: Uncertain significance. Last evaluated: 2024-12-18. Review status: criteria provided, single submitter. Criteria: GeneDx Variant Classification Process June 2021. Collection method: clinical testing. Allele origin: germline. Affected: yes.
Comment: Has not been previously published as pathogenic or benign to our knowledge; In silico analysis suggests this variant may impact gene splicing. In the absence of RNA/functional studies, the actual effect of this sequence change is unknown.